The following is an entry in ClinVar:

ClinVar aggregate classification (germline): Uncertain significance (1 of 4 stars; one submission).

Conditions:
Ataxia-telangiectasia syndrome (AT). Also called: ATAXIA-TELANGIECTASIA, COMPLEMENTATION GROUP A; ATAXIA-TELANGIECTASIA, FRESNO VARIANT; LOUIS-BAR SYNDROME; Ataxia-telangiectasia, complementation group D; Ataxia-telangiectasia, complementation group E; Cerebello-oculocutaneous telangiectasia. Identifiers: Orphanet 100, MedGen C0004135, MONDO:0008840, OMIM 208900.

Submission:

Labcorp Genetics (formerly Invitae), Labcorp
Classification: Uncertain significance for Ataxia-telangiectasia syndrome. Last evaluated: 2024-04-16. Review status: criteria provided, single submitter. Criteria: Invitae Variant Classification Sherloc (09022015). Collection method: clinical testing. Allele origin: germline.
Comment: This sequence change replaces isoleucine, which is neutral and non-polar, with threonine, which is neutral and polar, at codon 798 of the ATM protein (p.Ile798Thr). This variant is not present in population databases (gnomAD no frequency). This variant has not been reported in the literature in individuals affected with ATM-related conditions. An algorithm developed to predict the effect of missense changes on protein structure and function (PolyPhen-2) suggests that this variant is likely to be tolerated. In summary, the available evidence is currently insufficient to determine the role of this variant in disease. Therefore, it has been classified as a Variant of Uncertain Significance.

NM_000051.4(ATM):c.2393T>C (p.Ile798Thr)

Gene: ATM (ATM serine/threonine kinase; plus strand). Cytogenetic location: 11q22.3.
Variant type: single nucleotide variant.
Coding change: c.2393T>C on transcript NM_000051.4 (MANE Select); coding-DNA position 2393, T replaced by C.
Protein change: p.Ile798Thr; replaces isoleucine 798 with threonine.
Molecular consequence: missense variant.
Genome position (GRCh38, 1-based): chr11:108,259,002, T>C. VCF-style: chr11-108259002-T-C. GRCh37 (hg19) VCF-style: chr11-108129729-T-C.
Other names: c.2393T>C, p.Ile798Thr (NM_001351834.2); short protein forms I798T.
Identifiers: ClinVar variation 3650073 (VCV003650073.2).